The following is an entry in ClinVar:

NM_001388492.1(HTT):c.7170A>C (p.Pro2390=)

Gene: HTT (huntingtin; plus strand). Cytogenetic location: 4p16.3.
Variant type: single nucleotide variant.
Coding change: c.7170A>C on transcript NM_001388492.1 (MANE Select); coding-DNA position 7170, A replaced by C.
Protein change: p.Pro2390=; no amino-acid change (proline 2390 retained).
Molecular consequence: synonymous variant.
Genome position (GRCh38, 1-based): chr4:3,217,880, A>C. VCF-style: chr4-3217880-A-C. GRCh37 (hg19) VCF-style: chr4-3219607-A-C.
Other names: c.7176A>C, p.Pro2392= (NM_002111.8).
Identifiers: ClinVar variation 3034510 (VCV003034510.1), dbSNP rs2474051692, ClinGen allele CA438134564.
Genomic context (GRCh38, chr4:3,217,880, plus strand): 5'-GCAGTCGGTGTTGGCCTTGGGTCATAAAAGGAATAGCGGCGTGCCGGCGTTTCTCACGCC[A>C]TTGCTAAGGAACATCATCATCAGCCTGGCCCGCCTGCCCCTTGTCAACAGCTACACACGT-3'
Protein context (NP_001375421.1, residues 2380-2400): RNSGVPAFLT[Pro2390=]LLRNIIISLA

ClinVar aggregate classification (germline): Benign (1 of 4 stars; one submission).

Conditions:
HTT-related disorder. Also called: HTT-related condition.

Submission:

PreventionGenetics, part of Exact Sciences
Classification: Benign for HTT-related condition. Last evaluated: 2019-11-06. Review status: criteria provided, single submitter. Criteria: ACMG Guidelines, 2015. Collection method: clinical testing. Allele origin: germline.
Comment: This variant is classified as benign based on ACMG/AMP sequence variant interpretation guidelines (Richards et al. 2015 PMID: 25741868, with internal and published modifications).